The following is an entry in ClinVar:

NM_004360.5(CDH1):c.835_836delinsGA (p.Thr279Asp)

Gene: CDH1 (cadherin 1; plus strand). Cytogenetic location: 16q22.1.
Variant type: Indel.
Coding change: c.835_836delinsGA on transcript NM_004360.5 (MANE Select); coding-DNA positions 835 to 836, AC replaced by GA.
Protein change: p.Thr279Asp; replaces threonine 279 with aspartic acid.
Molecular consequence: missense variant. On other transcripts: 5 prime UTR variant (2).
Genome position (GRCh38, 1-based): chr16:68,811,686-68,811,687, AC replaced by GA. VCF-style: chr16-68811686-AC-GA. GRCh37 (hg19) VCF-style: chr16-68845589-AC-GA.
Other names: c.835_836delinsGA, p.Thr279Asp (NM_001317184.2); c.-781_-780delinsGA (NM_001317185.2); c.-985_-984delinsGA (NM_001317186.2); short protein forms T279D.
Identifiers: ClinVar variation 1000887 (VCV001000887.11), dbSNP rs1960834189, ClinGen allele CA2229968655.

ClinVar aggregate classification (germline): Uncertain significance. Review status: criteria provided, multiple submitters, no conflicts (2 of 4 stars). 2 submissions from 2 submitters: Uncertain significance (2). Last evaluated 2022-09-01.

Conditions:
Hereditary cancer-predisposing syndrome. Also called: Hereditary neoplastic syndrome; Neoplastic Syndromes, Hereditary; Tumor predisposition; Hereditary Cancer Syndrome. Identifiers: Orphanet 140162, MedGen C0027672, MeSH D009386, MONDO:0015356.
Hereditary diffuse gastric adenocarcinoma (HDGC). Also called: DIFFUSE GASTRIC AND LOBULAR BREAST CANCER SYNDROME. Identifiers: Orphanet 26106, MedGen C1708349, MONDO:0007648, OMIM 137215.

Submissions (2):

Labcorp Genetics (formerly Invitae), Labcorp
Classification: Uncertain significance for Hereditary diffuse gastric adenocarcinoma. Last evaluated: 2022-09-01. Review status: criteria provided, single submitter. Criteria: Invitae Variant Classification Sherloc (09022015). Collection method: clinical testing. Allele origin: germline.
Comment: This sequence change replaces threonine, which is neutral and polar, with aspartic acid, which is acidic and polar, at codon 279 of the CDH1 protein (p.Thr279Asp). Information on the frequency of this variant in the gnomAD database is not available, as this variant may be reported differently in the database. This variant has not been reported in the literature in individuals affected with CDH1-related conditions. Algorithms developed to predict the effect of missense changes on protein structure and function are either unavailable or do not agree on the potential impact of this missense change (SIFT: "Not Available"; PolyPhen-2: "Probably Damaging"; Align-GVGD: "Not Available"). In summary, the available evidence is currently insufficient to determine the role of this variant in disease. Therefore, it has been classified as a Variant of Uncertain Significance. ClinVar contains an entry for this variant (Variation ID: 1000887).

Ambry Genetics
Classification: Uncertain significance for Hereditary cancer-predisposing syndrome. Last evaluated: 2021-05-05. Review status: criteria provided, single submitter. Criteria: Ambry Variant Classification Scheme 2023. Collection method: clinical testing. Allele origin: germline.
Comment: The c.835_836delACinsGA variant (also known as p.T279D), located in coding exon 7 of the CDH1 gene, results from an in-frame deletion of AC and insertion of GA at nucleotide positions 835 to 836. This results in the substitution of the threonine residue for an aspartic acid residue at codon 279, an amino acid with similar properties. This amino acid position is well conserved in available vertebrate species. In addition, the in silico prediction for this alteration is inconclusive (Choi Y et al. PLoS ONE. 2012; 7(10):e46688). Since supporting evidence is limited at this time, the clinical significance of this alteration remains unclear.